The following is an entry in ClinVar:

ClinVar aggregate classification (germline): Uncertain significance. Review status: criteria provided, multiple submitters, no conflicts (2 of 4 stars). 2 submissions from 2 submitters: Uncertain significance (2). Last evaluated 2025-04-14.

Conditions:
Inborn genetic diseases. Identifiers: MedGen C0950123, MeSH D030342.

Allele frequency attached by ClinVar (database versions not stated): TOPMed 0.00002; gnomAD 0.00004; ESP Exome Variant Server 0.00023; ExAC 0.00007.

Submissions (2):

Ambry Genetics
Classification: Uncertain significance for Inborn genetic diseases. Last evaluated: 2025-04-14. Review status: criteria provided, single submitter. Criteria: Ambry Variant Classification Scheme 2023. Collection method: clinical testing. Allele origin: germline.

Labcorp Genetics (formerly Invitae), Labcorp
Classification: Uncertain significance. Last evaluated: 2022-08-20. Review status: criteria provided, single submitter. Criteria: Invitae Variant Classification Sherloc (09022015). Collection method: clinical testing. Allele origin: germline.
Comment: This sequence change replaces valine, which is neutral and non-polar, with leucine, which is neutral and non-polar, at codon 298 of the COQ9 protein (p.Val298Leu). This variant is present in population databases (rs140788797, gnomAD 0.008%). This variant has not been reported in the literature in individuals affected with COQ9-related conditions. Algorithms developed to predict the effect of missense changes on protein structure and function (SIFT, PolyPhen-2, Align-GVGD) all suggest that this variant is likely to be tolerated. In summary, the available evidence is currently insufficient to determine the role of this variant in disease. Therefore, it has been classified as a Variant of Uncertain Significance.

NM_020312.4(COQ9):c.892G>C (p.Val298Leu)

Gene: COQ9 (coenzyme Q9; plus strand). Cytogenetic location: 16q21.
Variant type: single nucleotide variant.
Coding change: c.892G>C on transcript NM_020312.4 (MANE Select); coding-DNA position 892, G replaced by C.
Protein change: p.Val298Leu; replaces valine 298 with leucine.
Molecular consequence: missense variant.
Genome position (GRCh38, 1-based): chr16:57,460,075, G>C. VCF-style: chr16-57460075-G-C. GRCh37 (hg19) VCF-style: chr16-57493987-G-C.
Other names: c.892G>C (NM_020312.3); short protein forms V298L.
Identifiers: ClinVar variation 2195294 (VCV002195294.3), dbSNP rs140788797, ClinGen allele CA8076381.